The following is an entry in ClinVar:

NM_004100.5(EYA4):c.1390A>G (p.Asn464Asp)

Genes: EYA4 (EYA transcriptional coactivator and phosphatase 4; plus strand), TARID (TCF21 antisense RNA inducing promoter demethylation; minus strand). Cytogenetic location: 6q23.2.
Variant type: single nucleotide variant.
Coding change: c.1390A>G on transcript NM_004100.5 (MANE Select); coding-DNA position 1390, A replaced by G.
Protein change: p.Asn464Asp; replaces asparagine 464 with aspartic acid.
Molecular consequence: missense variant.
Genome position (GRCh38, 1-based): chr6:133,512,927, A>G. VCF-style: chr6-133512927-A-G. GRCh37 (hg19) VCF-style: chr6-133834065-A-G.
Other names: c.1228A>G, p.Asn410Asp (NM_001301012.2); c.1408A>G, p.Asn470Asp (NM_001301013.2); c.1321A>G, p.Asn441Asp (NM_001370458.1, NM_172103.4); c.1246A>G, p.Asn416Asp (NM_001370459.1); c.1390A>G, p.Asn464Asp (NM_172105.4); short protein forms N470D, N416D, N410D, N464D, N441D.
Identifiers: ClinVar variation 2004322 (VCV002004322.4), dbSNP rs1799280698, ClinGen allele CA365715087.

ClinVar aggregate classification (germline): Uncertain significance (1 of 4 stars; one submission).

Conditions:
Dilated cardiomyopathy 1J (CMD1J). Also called: CARDIOMYOPATHY, DILATED, WITH SENSORINEURAL HEARING LOSS, AUTOSOMAL DOMINANT. Identifiers: Orphanet 217622, MedGen C1854368, MONDO:0011541, OMIM 605362.

Allele frequency attached by ClinVar (database versions not stated): gnomAD exomes below 0.00001.
gnomAD v4.1: 1 of 1,614,154 alleles (0.000062%); highest among the groups gnomAD compares: Non-Finnish European, 0.000085%; no homozygotes.

Submission:

Labcorp Genetics (formerly Invitae), Labcorp
Classification: Uncertain significance for Dilated cardiomyopathy 1J. Last evaluated: 2022-06-10. Review status: criteria provided, single submitter. Criteria: Invitae Variant Classification Sherloc (09022015). Collection method: clinical testing. Allele origin: germline.
Comment: In summary, the available evidence is currently insufficient to determine the role of this variant in disease. Therefore, it has been classified as a Variant of Uncertain Significance. Algorithms developed to predict the effect of sequence changes on RNA splicing suggest that this variant may create or strengthen a splice site. Algorithms developed to predict the effect of missense changes on protein structure and function are either unavailable or do not agree on the potential impact of this missense change (SIFT: "Deleterious"; PolyPhen-2: "Benign"; Align-GVGD: "Class C0"). This variant has not been reported in the literature in individuals affected with EYA4-related conditions. This variant is not present in population databases (gnomAD no frequency). This sequence change replaces asparagine, which is neutral and polar, with aspartic acid, which is acidic and polar, at codon 464 of the EYA4 protein (p.Asn464Asp).